The following is an entry in ClinVar:

ClinVar aggregate classification (germline): Uncertain significance (1 of 4 stars; one submission).

Conditions:
Hereditary cancer-predisposing syndrome. Also called: Tumor predisposition; Neoplastic Syndromes, Hereditary; Hereditary neoplastic syndrome; Hereditary Cancer Syndrome. Identifiers: Orphanet 140162, MedGen C0027672, MeSH D009386, MONDO:0015356.

Submission:

Ambry Genetics
Classification: Uncertain significance for Hereditary cancer-predisposing syndrome. Last evaluated: 2025-08-27. Review status: criteria provided, single submitter. Criteria: Ambry Variant Classification Scheme 2023. Collection method: clinical testing. Allele origin: germline.
Comment: The p.Q463P variant (also known as c.1388A>C), located in coding exon 14 of the MUTYH gene, results from an A to C substitution at nucleotide position 1388. The glutamine at codon 463 is replaced by proline, an amino acid with similar properties. This amino acid position is conserved. In addition, the in silico prediction for this alteration is inconclusive. Based on the available evidence, the clinical significance of this variant remains unclear.

NM_001048174.2(MUTYH):c.1304A>C (p.Gln435Pro)

Gene: MUTYH (mutY DNA glycosylase; minus strand). Cytogenetic location: 1p34.1.
Variant type: single nucleotide variant.
Coding change: c.1304A>C on transcript NM_001048174.2 (MANE Select); coding-DNA position 1304, A replaced by C.
Protein change: p.Gln435Pro; replaces glutamine 435 with proline.
Molecular consequence: missense variant. On other transcripts: non-coding transcript variant (7).
Genome position (GRCh38, 1-based): chr1:45,331,270, T>G on the plus strand (A>C on the coding strand, the complement: MUTYH is on the minus strand). VCF-style: chr1-45331270-T-G. GRCh37 (hg19) VCF-style: chr1-45796942-T-G.
Other names: c.1304A>C, p.Gln435Pro (NM_001048171.2, NM_001048173.2, NM_001293195.2 and 6 more transcripts); c.1307A>C, p.Gln436Pro (NM_001048172.2, NM_001407086.1, NM_001407071.1 and 1 more transcripts); c.1388A>C, p.Gln463Pro (NM_001128425.2); c.1349A>C, p.Gln450Pro (NM_001293190.2); c.1337A>C, p.Gln446Pro (NM_001293191.2, NM_001407069.1, NM_001407077.1); c.1028A>C, p.Gln343Pro (NM_001293192.2, NM_001293196.2, NM_001407091.1); c.959A>C, p.Gln320Pro (NM_001350650.2, NM_001350651.2, NM_001407082.1); c.1346A>C, p.Gln449Pro (NM_001407083.1, NM_001407085.1); and 5 more; short protein forms Q421P, Q422P, Q446P, Q460P, Q343P, Q407P, Q450P, Q320P.
Identifiers: ClinVar variation 4113208 (VCV004113208.1).